The following is an entry in ClinVar:

NM_013386.5(SLC25A24):c.848dup (p.Gln284fs)

Gene: SLC25A24 (solute carrier family 25 member 24; minus strand). Cytogenetic location: 1p13.3.
Variant type: Duplication.
Coding change: c.848dup on transcript NM_013386.5 (MANE Select); coding-DNA position 848, one base duplicated (G; older notation c.848dupG).
Protein change: p.Gln284fs; shifts the reading frame from glutamine 284.
Molecular consequence: frameshift variant.
Genome position (GRCh38, 1-based): chr1:108,148,361, C duplicated on the plus strand (G on the coding strand, the reverse complement: SLC25A24 is on the minus strand); the first of 2 consecutive C bases (chr1:108,148,361-108,148,362); duplicating either gives the same sequence. VCF-style (leftmost placement, unchanged base first): chr1-108148360-T-TC. GRCh37 (hg19) VCF-style: chr1-108690982-T-TC.
Other names: c.791dup, p.Gln265fs (NM_213651.3); short protein forms Q265fs, Q284fs.
Identifiers: ClinVar variation 1310706 (VCV001310706.2), dbSNP rs1679663867, ClinGen allele CA1187611407.

ClinVar aggregate classification (germline): Uncertain significance (1 of 4 stars; one submission).

Submission:

GeneDx
Classification: Uncertain significance. Last evaluated: 2019-11-22. Review status: criteria provided, single submitter. Criteria: GeneDx Variant Classification Process June 2021. Collection method: clinical testing. Allele origin: germline. Affected: yes.
Comment: Not observed in large population cohorts (Lek et al., 2016); Frameshift variant predicted to result in protein truncation or nonsense mediated decay in a gene for which loss-of-function is not a known mechanism of disease; Has not been previously published as pathogenic or benign to our knowledge